The following is an entry in ClinVar:

ClinVar aggregate classification (germline): Uncertain significance. Review status: criteria provided, multiple submitters, no conflicts (2 of 4 stars). 10 submissions from 10 submitters: Uncertain significance (9). 1 of the submissions does not count toward it. Last evaluated 2026-08-10.

Conditions:
COL4A3-related disorder. Also called: COL4A3-Related Disorders; COL4A3-related condition.
Autosomal dominant Alport syndrome (ATS3A). Also called: Alport syndrome dominant type; Renal failure and sensorineural hearing loss; ALPORT SYNDROME 3A, AUTOSOMAL DOMINANT. Identifiers: Orphanet 63, Orphanet 88918, MedGen C5882663, MONDO:0007086, OMIM 104200.
Alport syndrome 3b, autosomal recessive. Identifiers: MedGen C5882699, MONDO:0957811, OMIM 620536.
Hematuria, benign familial, 2 (BFH2). Identifiers: MedGen C5830421, MONDO:0958186, OMIM 620320.

Allele frequency attached by ClinVar (database versions not stated): ExAC 0.00007; ESP Exome Variant Server 0.00008; TOPMed 0.00008; gnomAD 0.00009; 1000 Genomes Project 30x 0.00016; 1000 Genomes Project 0.00020; gnomAD exomes 0.00004 and 0.00006.
gnomAD v4.1: 79 of 1,613,526 alleles (0.0049%); highest among the groups gnomAD compares: South Asian, 0.02%; 2 homozygotes.

Submissions (10):

PreventionGenetics, part of Exact Sciences
Classification: Uncertain significance for COL4A3-related condition. Last evaluated: 2026-08-10. Review status: criteria provided, single submitter. Criteria: ACMG Guidelines, 2015. Collection method: clinical testing. Allele origin: germline.
Comment: The COL4A3 c.2636C>T variant is predicted to result in the amino acid substitution p.Pro879Leu. This variant was reported in an individual with mesangioproliferative glomerulonephritis, but pathogenicity was not established (Wang et al 2017. PubMed ID: 28476686). This variant is reported in 0.013% of alleles in individuals of South Asian descent in gnomAD, including two homozygotes in the larger gnomAD v4.1.1 database. At this time, the clinical significance of this variant is uncertain due to the absence of conclusive functional and genetic evidence.

Genetics laboratory, Institute of Kidney Diseases & Research Centre Dr. H.L. Trivedi Institute Of Transplantation Sciences
Classification: Uncertain significance for Autosomal dominant Alport syndrome. Last evaluated: 2026-06-22. Review status: criteria provided, single submitter. Criteria: ACMG Guidelines, 2015. Collection method: clinical testing. Allele origin: germline. Inheritance: Autosomal dominant inheritance. Affected: yes. Observed: 1 variant allele, 1 heterozygote.
Comment: A heterozygous missense variant, c.2636C>T (p.Pro879Leu), was identified in the COL4A3 gene. The variant is rare in population databases; however, there is currently insufficient evidence to establish its pathogenicity. The substituted residue is not a glycine within the collagenous Gly-X-Y repeat, which represents the predominant pathogenic mechanism in COL4A3-related disorders. No well-established functional studies, segregation data, or sufficient clinical evidence supporting pathogenicity are currently available. Therefore, according to ACMG/AMP guidelines, the variant is classified as a Variant of Uncertain Significance (VUS).

GeneDx
Classification: Uncertain significance. Last evaluated: 2026-04-23. Review status: criteria provided, single submitter. Criteria: GeneDx Variant Classification Process June 2021. Collection method: clinical testing. Allele origin: germline.
Comment: Reported in the heterozygous state in a patient with mesangioproliferative glomerulonephritis in published literature (PMID: 28476686); In silico analysis supports that this missense variant has a deleterious effect on protein structure/function; Occurs in the triple helical domain at the Y position in the canonical Gly-X-Y repeat; although this variant may have an effect on normal protein folding and function, missense substitution at the Y position is not a common mechanism of disease; This variant is associated with the following publications: (PMID: 28476686)

Women's Health and Genetics/Laboratory Corporation of America, LabCorp
Classification: Uncertain significance. Last evaluated: 2026-03-17. Review status: criteria provided, single submitter. Criteria: LabCorp Variant Classification Summary - May 2015. Collection method: clinical testing. Allele origin: germline.
Comment: Variant summary: COL4A3 c.2636C>T (p.Pro879Leu) results in a non-conservative amino acid change in the encoded protein sequence. Algorithms developed to predict the effect of missense changes on protein structure and function all suggest that this variant is likely to be disruptive. The variant allele was found at a frequency of 4.9e-05 in 1613526 control chromosomes in the gnomAD database, including 2 homozygotes. This frequency is not significantly higher than estimated for disease-causing variants in COL4A3, allowing no conclusion about variant significance. The observation of 2 homozygous controls may not be consistent with the relatively early onset, somewhat severe presentation of recessive COL4A3-related conditions. c.2636C>T has been observed in heterozygous individual(s) affected with clinical features of COL4A3-related conditions, without strong evidence for causality and/or with alternative causes for disease (example, Wu_2024, Wang_2017). These report(s) do not provide unequivocal conclusions about association of the variant with COL4A3-related conditions. To our knowledge, no experimental evidence demonstrating an impact on protein function has been reported. The following publications have been ascertained in the context of this evaluation (PMID: 38262496, 28476686, 25303977). ClinVar contains an entry for this variant (Variation ID: 829979). Based on the evidence outlined above, the variant was classified as VUS-possibly benign.

Revvity Omics, Revvity
Classification: Uncertain significance. Last evaluated: 2024-09-20. Review status: criteria provided, single submitter. Criteria: ACMG Guidelines, 2015. Collection method: clinical testing. Allele origin: germline.

Mayo Clinic Laboratories, Mayo Clinic
Classification: Uncertain significance. Last evaluated: 2024-09-11. Review status: criteria provided, single submitter. Criteria: ACMG Guidelines, 2015. Collection method: clinical testing. Allele origin: germline. Observed: 1 variant allele.

Labcorp Genetics (formerly Invitae), Labcorp
Classification: Uncertain significance. Last evaluated: 2024-07-02. Review status: criteria provided, single submitter. Criteria: Invitae Variant Classification Sherloc (09022015). Collection method: clinical testing. Allele origin: germline.
Comment: This sequence change replaces proline, which is neutral and non-polar, with leucine, which is neutral and non-polar, at codon 879 of the COL4A3 protein (p.Pro879Leu). This variant is present in population databases (rs368342782, gnomAD 0.01%). This missense change has been observed in individual(s) with nephrotic syndrome (PMID: 28476686). ClinVar contains an entry for this variant (Variation ID: 829979). Advanced modeling of protein sequence and biophysical properties (such as structural, functional, and spatial information, amino acid conservation, physicochemical variation, residue mobility, and thermodynamic stability) has been performed at Invitae for this missense variant, however the output from this modeling did not meet the statistical confidence thresholds required to predict the impact of this variant on COL4A3 protein function. In summary, the available evidence is currently insufficient to determine the role of this variant in disease. Therefore, it has been classified as a Variant of Uncertain Significance.

Fulgent Genetics
Classification: Uncertain significance for Autosomal dominant Alport syndrome; Hematuria, benign familial, 2; Alport syndrome 3b, autosomal recessive. Last evaluated: 2024-03-21. Review status: criteria provided, single submitter. Criteria: ACMG Guidelines, 2015. Collection method: clinical testing. Allele origin: germline.

Breakthrough Genomics
Classification: Uncertain significance. Review status: criteria provided, single submitter. Criteria: ACMG Guidelines, 2015. Collection method: not provided. Allele origin: germline. Inheritance: Autosomal recessive inheritance. Affected: yes.

Bioscientia Institut fuer Medizinische Diagnostik GmbH, Sonic Healthcare
Classification: Uncertain significance for Autosomal dominant Alport syndrome. Last evaluated: 2019-11-24. Review status: no assertion criteria provided. Collection method: clinical testing. Allele origin: germline. Affected: yes. Not counted in ClinVar's aggregate classification.

Literature cited by the submitters: PubMed 25303977 (cited by Women's Health and Genetics/Laboratory Corporation of America, LabCorp); PubMed 28476686 (cited by 3 submitters); PubMed 38262496 (cited by Women's Health and Genetics/Laboratory Corporation of America, LabCorp).

NM_000091.5(COL4A3):c.2636C>T (p.Pro879Leu)

Genes: COL4A3 (collagen type IV alpha 3 chain; plus strand), MFF-DT (MFF divergent transcript; minus strand). Cytogenetic location: 2q36.3.
Variant type: single nucleotide variant.
Coding change: c.2636C>T on transcript NM_000091.5 (MANE Select); coding-DNA position 2636, C replaced by T.
Protein change: p.Pro879Leu; replaces proline 879 with leucine.
Molecular consequence: missense variant.
Genome position (GRCh38, 1-based): chr2:227,282,512, C>T. VCF-style: chr2-227282512-C-T. GRCh37 (hg19) VCF-style: chr2-228147228-C-T.
Other names: p.Pro879Leu; short protein forms P879L.
Identifiers: ClinVar variation 829979 (VCV000829979.14), dbSNP rs368342782, ClinGen allele CA2146965.